The following is an entry in ClinVar:

NM_052957.5(GCNA):c.795C>T (p.Pro265=)

Gene: GCNA (germ cell nuclear acidic peptidase; plus strand). Cytogenetic location: Xq13.1.
Variant type: single nucleotide variant.
Coding change: c.795C>T on transcript NM_052957.5 (MANE Select); coding-DNA position 795, C replaced by T.
Protein change: p.Pro265=; no amino-acid change (proline 265 retained).
Molecular consequence: synonymous variant.
Genome position (GRCh38, 1-based): chrX:71,604,072, C>T. VCF-style: chrX-71604072-C-T. GRCh37 (hg19) VCF-style: chrX-70823922-C-T.
Identifiers: ClinVar variation 3904920 (VCV003904920.10).

ClinVar aggregate classification (germline): Likely benign (1 of 4 stars; one submission).

Submission:

CeGaT Center for Human Genetics Tuebingen
Classification: Likely benign. Last evaluated: 2026-01-01. Review status: criteria provided, single submitter. Criteria: CeGaT Center For Human Genetics Tuebingen Variant Classification Criteria Version 2. Collection method: clinical testing. Allele origin: germline. Affected: yes. Observed: 3 variant alleles.
Comment: GCNA: BP4, BP7